The following is an entry in ClinVar:

ClinVar aggregate classification (germline): Benign/Likely benign. Review status: criteria provided, multiple submitters, no conflicts (2 of 4 stars). 9 submissions from 9 submitters: Benign (3); Likely benign (5). 1 of the submissions does not count toward it. Last evaluated 2026-09-01.

Conditions:
BAG3-related disorder. Also called: BAG3-related condition.
Cardiovascular phenotype. Identifiers: MedGen CN230736.
Myofibrillar myopathy 6. Identifiers: Orphanet 199340, MedGen C2751831, MONDO:0013061, OMIM 612954.
Dilated cardiomyopathy 1HH (CMD1HH). Identifiers: Orphanet 154, MedGen C3151293, MONDO:0013479, OMIM 613881.

Allele frequency attached by ClinVar (database versions not stated): gnomAD 0.00050 and 0.00055; 1000 Genomes Project 30x 0.00031; 1000 Genomes Project 0.00040; ESP Exome Variant Server 0.00062.
gnomAD v4.1: 221 of 1,614,088 alleles (0.014%); highest among the groups gnomAD compares: African/African-American, 0.18%; no homozygotes.

Submissions (9):

CeGaT Center for Human Genetics Tuebingen
Classification: Likely benign. Last evaluated: 2026-09-01. Review status: criteria provided, single submitter. Criteria: CeGaT Center For Human Genetics Tuebingen Variant Classification Criteria Version 2. Collection method: clinical testing. Allele origin: germline. Affected: yes. Observed: 5 variant alleles.
Comment: BAG3: BP4, BP7

Labcorp Genetics (formerly Invitae), Labcorp
Classification: Benign for Dilated cardiomyopathy 1HH; Myofibrillar myopathy 6. Last evaluated: 2026-02-03. Review status: criteria provided, single submitter. Criteria: Invitae Variant Classification Sherloc (09022015). Collection method: clinical testing. Allele origin: germline.

Molecular Diagnostic Laboratory for Inherited Cardiovascular Disease, Montreal Heart Institute
Classification: Likely benign. Last evaluated: 2025-04-09. Review status: criteria provided, single submitter. Criteria: ACMG Guidelines, 2015. Collection method: clinical testing. Allele origin: germline. Affected: no.

Blueprint Genetics
Classification: Likely benign. Last evaluated: 2024-09-05. Review status: criteria provided, single submitter. Criteria: ACMG Guidelines, 2015. Collection method: clinical testing. Allele origin: germline.

Women's Health and Genetics/Laboratory Corporation of America, LabCorp
Classification: Benign. Last evaluated: 2022-08-06. Review status: criteria provided, single submitter. Criteria: LabCorp Variant Classification Summary - May 2015. Collection method: clinical testing. Allele origin: germline.

Ambry Genetics
Classification: Likely benign for Cardiovascular phenotype. Last evaluated: 2015-11-20. Review status: criteria provided, single submitter. Criteria: Ambry Variant Classification Scheme 2023. Collection method: clinical testing. Allele origin: germline.

GeneDx
Classification: Benign. Last evaluated: 2015-04-07. Review status: criteria provided, single submitter. Criteria: GeneDx Variant Classification (06012015). Collection method: clinical testing. Allele origin: germline. Affected: yes.
Comment: This variant is considered likely benign or benign based on one or more of the following criteria: it is a conservative change, it occurs at a poorly conserved position in the protein, it is predicted to be benign by multiple in silico algorithms, and/or has population frequency not consistent with disease.

Laboratory for Molecular Medicine, Mass General Brigham Personalized Medicine
Classification: Likely benign. Last evaluated: 2012-03-19. Review status: criteria provided, single submitter. Criteria: LMM Criteria. Collection method: clinical testing. Allele origin: germline. Observed: 2 variant alleles.
Comment: Pro290Pro in exon 03 of BAG3: This variant is not expected to have clinical sign ificance because it does not alter an amino acid residue, and is not located wit hin the splice consensus sequence. It has been identified in 0.2% (6/3738) of Af rican American chromosomes from a broad population by the NHLBI Exome Sequencing Project (dbSNP rs140737221). Pro290Pro in ex on 03 of BAG3 (rs140737221; allele frequency = 0.2%, 6/3738) **

PreventionGenetics, part of Exact Sciences
Classification: Likely benign for BAG3-related condition. Last evaluated: 2019-07-23. Review status: no assertion criteria provided. Collection method: clinical testing. Allele origin: germline. Not counted in ClinVar's aggregate classification.
Comment: This variant is classified as likely benign based on ACMG/AMP sequence variant interpretation guidelines (Richards et al. 2015 PMID: 25741868, with internal and published modifications).

NM_004281.4(BAG3):c.870C>G (p.Pro290=)

Gene: BAG3 (BAG cochaperone 3; plus strand). Cytogenetic location: 10q26.11.
Variant type: single nucleotide variant.
Coding change: c.870C>G on transcript NM_004281.4 (MANE Select); coding-DNA position 870, C replaced by G.
Protein change: p.Pro290=; no amino-acid change (proline 290 retained).
Molecular consequence: synonymous variant.
Genome position (GRCh38, 1-based): chr10:119,672,617, C>G. VCF-style: chr10-119672617-C-G. GRCh37 (hg19) VCF-style: chr10-121432129-C-G.
Identifiers: ClinVar variation 44791 (VCV000044791.47), dbSNP rs140737221, ClinGen allele CA135037.